The following is an entry in ClinVar:

ClinVar aggregate classification (germline): Benign. Review status: criteria provided, multiple submitters, no conflicts (2 of 4 stars). 3 submissions from 3 submitters: Benign (3). Last evaluated 2023-11-12.

Allele frequency attached by ClinVar (database versions not stated): gnomAD exomes 0.24482 and 0.26573; ExAC 0.27112; ESP Exome Variant Server 0.29368; gnomAD 0.30401 and 0.30514; TOPMed 0.30547; 1000 Genomes Project 30x 0.32245; 1000 Genomes Project 0.32887.
gnomAD v4.1: 404,031 of 1,610,368 alleles (25%); highest among the groups gnomAD compares: African/African-American, 48%; 54,465 homozygotes.

Submissions (3):

Unidad de Genómica Garrahan, Hospital de Pediatría Garrahan
Classification: Benign. Last evaluated: 2023-11-12. Review status: criteria provided, single submitter. Criteria: ACMG Guidelines, 2015. Collection method: clinical testing. Allele origin: germline. Affected: no. Observed: 38 variant alleles.
Comment: This variant is classified as Benign based on local population frequency. This variant was detected in 40% of patients studied by a panel of primary immunodeficiencies. Number of patients: 38. Only high quality variants are reported.

GeneDx
Classification: Benign. Last evaluated: 2018-11-27. Review status: criteria provided, single submitter. Criteria: GeneDx Variant Classification Process June 2021. Collection method: clinical testing. Allele origin: germline. Affected: yes.

Breakthrough Genomics
Classification: Benign. Review status: criteria provided, single submitter. Criteria: ACMG Guidelines, 2015. Collection method: not provided. Allele origin: germline. Inheritance: Autosomal recessive inheritance. Affected: yes.

NM_001261826.3(AP3D1):c.2149+44T>C

Gene: AP3D1 (adaptor related protein complex 3 subunit delta 1; minus strand). Cytogenetic location: 19p13.3.
Variant type: single nucleotide variant.
Coding change: c.2149+44T>C on transcript NM_001261826.3 (MANE Select); 44 bases into the intron after coding-DNA position 2149, T replaced by C.
Molecular consequence: intron variant.
Genome position (GRCh38, 1-based): chr19:2,115,494, A>G on the plus strand (T>C on the coding strand, the complement: AP3D1 is on the minus strand). VCF-style: chr19-2115494-A-G. GRCh37 (hg19) VCF-style: chr19-2115493-A-G.
Other names: c.2149+44T>C (NM_003938.8, NM_001374799.1).
Identifiers: ClinVar variation 1241386 (VCV001241386.5), dbSNP rs2066775, ClinGen allele CA9058998.